The following is an entry in ClinVar:

ClinVar aggregate classification (germline): Uncertain significance. Review status: criteria provided, multiple submitters, no conflicts (2 of 4 stars). 2 submissions from 2 submitters: Uncertain significance (2). Last evaluated 2025-08-20.

Conditions:
Inborn genetic diseases. Identifiers: MedGen C0950123, MeSH D030342.

Allele frequency attached by ClinVar (database versions not stated): gnomAD exomes below 0.00001; TOPMed 0.00004; gnomAD 0.00003.
gnomAD v4.1: 7 of 1,551,976 alleles (0.00045%); highest among the groups gnomAD compares: African/African-American, 0.0096%; no homozygotes.

Submissions (2):

Ambry Genetics
Classification: Uncertain significance for Inborn genetic diseases. Last evaluated: 2025-08-20. Review status: criteria provided, single submitter. Criteria: Ambry Variant Classification Scheme 2023. Collection method: clinical testing. Allele origin: germline.

Labcorp Genetics (formerly Invitae), Labcorp
Classification: Uncertain significance. Last evaluated: 2025-08-08. Review status: criteria provided, single submitter. Criteria: Invitae Variant Classification Sherloc (09022015). Collection method: clinical testing. Allele origin: germline.
Comment: This sequence change replaces leucine, which is neutral and non-polar, with phenylalanine, which is neutral and non-polar, at codon 1113 of the UNC80 protein (p.Leu1113Phe). This variant is present in population databases (no rsID available, gnomAD 0.02%). This variant has not been reported in the literature in individuals affected with UNC80-related conditions. ClinVar contains an entry for this variant (Variation ID: 2971832). An algorithm developed to predict the effect of missense changes on protein structure and function (PolyPhen-2) suggests that this variant is likely to be disruptive. In summary, the available evidence is currently insufficient to determine the role of this variant in disease. Therefore, it has been classified as a Variant of Uncertain Significance.

NM_001371986.1(UNC80):c.3331C>T (p.Leu1111Phe)

Gene: UNC80 (unc-80 subunit of NALCN channel complex; plus strand). Cytogenetic location: 2q34.
Variant type: single nucleotide variant.
Coding change: c.3331C>T on transcript NM_001371986.1 (MANE Select); coding-DNA position 3331, C replaced by T.
Protein change: p.Leu1111Phe; replaces leucine 1111 with phenylalanine.
Molecular consequence: missense variant.
Genome position (GRCh38, 1-based): chr2:209,840,622, C>T. VCF-style: chr2-209840622-C-T. GRCh37 (hg19) VCF-style: chr2-210705346-C-T.
Other names: c.3337C>T, p.Leu1113Phe (NM_032504.2); c.3322C>T, p.Leu1108Phe (NM_182587.4); c.3337C>T (NM_032504.1); short protein forms L1111F, L1108F, L1113F.
Identifiers: ClinVar variation 2971832 (VCV002971832.4), dbSNP rs1023034065, ClinGen allele CA65031977.